The following is an entry in ClinVar:

ClinVar aggregate classification (germline): Uncertain significance. Review status: criteria provided, multiple submitters, no conflicts (2 of 4 stars). 2 submissions from 2 submitters: Uncertain significance (2). Last evaluated 2025-04-22.

Allele frequency attached by ClinVar (database versions not stated): gnomAD 0.00002; gnomAD exomes 0.00003 and 0.00004; TOPMed 0.00004.
gnomAD v4.1: 49 of 1,547,694 alleles (0.0032%); highest among the groups gnomAD compares: East Asian, 0.064%; no homozygotes.

Submissions (2):

Labcorp Genetics (formerly Invitae), Labcorp
Classification: Uncertain significance. Last evaluated: 2025-04-22. Review status: criteria provided, single submitter. Criteria: Invitae Variant Classification Sherloc (09022015). Collection method: clinical testing. Allele origin: germline.
Comment: This sequence change replaces arginine, which is basic and polar, with cysteine, which is neutral and slightly polar, at codon 497 of the DTHD1 protein (p.Arg497Cys). This variant is present in population databases (no rsID available, gnomAD 0.01%). This variant has not been reported in the literature in individuals affected with DTHD1-related conditions. ClinVar contains an entry for this variant (Variation ID: 1417665). An algorithm developed to predict the effect of missense changes on protein structure and function (PolyPhen-2) suggests that this variant is likely to be tolerated. In summary, the available evidence is currently insufficient to determine the role of this variant in disease. Therefore, it has been classified as a Variant of Uncertain Significance.

Ambry Genetics
Classification: Uncertain significance. Last evaluated: 2025-03-11. Review status: criteria provided, single submitter. Criteria: Ambry Variant Classification Scheme 2023. Collection method: clinical testing. Allele origin: germline.

NM_001170700.3(DTHD1):c.2359C>T (p.Arg787Cys)

Gene: DTHD1 (death domain containing 1; plus strand). Cytogenetic location: 4p14.
Variant type: single nucleotide variant.
Coding change: c.2359C>T on transcript NM_001170700.3 (MANE Select); coding-DNA position 2359, C replaced by T.
Protein change: p.Arg787Cys; replaces arginine 787 with cysteine.
Molecular consequence: missense variant. On other transcripts: non-coding transcript variant (1), intron variant (1).
Genome position (GRCh38, 1-based): chr4:36,339,130, C>T. VCF-style: chr4-36339130-C-T. GRCh37 (hg19) VCF-style: chr4-36340752-C-T.
Other names: c.1489C>T, p.Arg497Cys (NM_001136536.5); c.1408-4372C>T (NM_001378435.1); c.1984C>T (NM_001170700.1); short protein forms R497C, R787C.
Identifiers: ClinVar variation 1417665 (VCV001417665.9), dbSNP rs1219504130, ClinGen allele CA356681911.